The following is an entry in ClinVar:

NM_001165963.4(SCN1A):c.4095C>T (p.Gly1365=)

Genes: SCN1A (sodium voltage-gated channel alpha subunit 1; minus strand), LOC102724058 (uncharacterized LOC102724058; plus strand). Cytogenetic location: 2q24.3.
Variant type: single nucleotide variant.
Coding change: c.4095C>T on transcript NM_001165963.4 (MANE Select); coding-DNA position 4095, C replaced by T.
Protein change: p.Gly1365=; no amino-acid change (glycine 1365 retained).
Molecular consequence: synonymous variant. On other transcripts: non-coding transcript variant (1).
Genome position (GRCh38, 1-based): chr2:166,002,661, G>A on the plus strand (C>T on the coding strand, the complement: SCN1A is on the minus strand). VCF-style: chr2-166002661-G-A. GRCh37 (hg19) VCF-style: chr2-166859171-G-A.
Other names: c.4011C>T, p.Gly1337= (NM_001165964.3, NM_001353957.2, NM_001353958.2); c.4095C>T, p.Gly1365= (NM_001202435.3, NM_001353948.2); c.4062C>T, p.Gly1354= (NM_001353949.2, NM_001353950.2, NM_001353951.2 and 2 more transcripts); c.4059C>T, p.Gly1353= (NM_001353954.2, NM_001353955.2); c.4008C>T, p.Gly1336= (NM_001353960.2); c.1653C>T, p.Gly551= (NM_001353961.2).
Identifiers: ClinVar variation 672195 (VCV000672195.18), dbSNP rs372749240, ClinGen allele CA1942841.

ClinVar aggregate classification (germline): Conflicting classifications of pathogenicity. Review status: criteria provided, conflicting classifications (1 of 4 stars). 6 submissions from 5 submitters: Uncertain significance (2); Likely benign (4). Last evaluated 2026-05-01.

Conditions:
Generalized epilepsy with febrile seizures plus, type 2 (GEFSP2). Also called: GEFS+, TYPE 2. Identifiers: Orphanet 36387, MedGen C1858673, MONDO:0011461, OMIM 604403.
Early-infantile DEE. Also called: Ohtahara syndrome; Early infantile epileptic encephalopathy with suppression bursts; Early infantile epileptic encephalopathy. Identifiers: Orphanet 1934, MedGen C0393706, MONDO:0800491.
Migraine, familial hemiplegic, 3. Identifiers: Orphanet 569, MedGen C1864987, MONDO:0012320, OMIM 609634.

Allele frequency attached by ClinVar (database versions not stated): gnomAD exomes 0.00001 and 0.00002; ExAC 0.00002; gnomAD 0.00002; TOPMed 0.00003; ESP Exome Variant Server 0.00008.
gnomAD v4.1: 15 of 1,611,604 alleles (0.00093%); highest among the groups gnomAD compares: African/African-American, 0.0067%; no homozygotes.

Submissions (6):

CeGaT Center for Human Genetics Tuebingen
Classification: Likely benign. Last evaluated: 2026-05-01. Review status: criteria provided, single submitter. Criteria: CeGaT Center For Human Genetics Tuebingen Variant Classification Criteria Version 2. Collection method: clinical testing. Allele origin: germline. Affected: yes. Observed: 1 variant allele.
Comment: SCN1A: BP4, BP7

Labcorp Genetics (formerly Invitae), Labcorp
Classification: Likely benign for Early-infantile DEE. Last evaluated: 2025-12-21. Review status: criteria provided, single submitter. Criteria: Invitae Variant Classification Sherloc (09022015). Collection method: clinical testing. Allele origin: germline.

Blueprint Genetics
Classification: Likely benign. Last evaluated: 2023-08-23. Review status: criteria provided, single submitter. Criteria: ACMG Guidelines, 2015. Collection method: clinical testing. Allele origin: germline.

GeneDx
Classification: Likely benign. Last evaluated: 2018-06-20. Review status: criteria provided, single submitter. Criteria: GeneDx Variant Classification (06012015). Collection method: clinical testing. Allele origin: germline. Affected: yes.
Comment: This variant is considered likely benign or benign based on one or more of the following criteria: it is a conservative change, it occurs at a poorly conserved position in the protein, it is predicted to be benign by multiple in silico algorithms, and/or has population frequency not consistent with disease.

Illumina Laboratory Services, Illumina
Classification: Uncertain significance for Migraine, familial hemiplegic, 3. Last evaluated: 2018-01-12. Review status: criteria provided, single submitter. Criteria: ICSL Variant Classification Criteria 13 December 2019. Collection method: clinical testing. Allele origin: germline.

Illumina Laboratory Services, Illumina
Classification: Uncertain significance for Generalized epilepsy with febrile seizures plus, type 2. Last evaluated: 2018-01-12. Review status: criteria provided, single submitter. Criteria: ICSL Variant Classification Criteria 13 December 2019. Collection method: clinical testing. Allele origin: germline.